The following is an entry in ClinVar:

NM_001367624.2(ZNF469):c.8774C>A (p.Pro2925Gln)

Gene: ZNF469 (zinc finger protein 469; plus strand). Cytogenetic location: 16q24.2.
Variant type: single nucleotide variant.
Coding change: c.8774C>A on transcript NM_001367624.2 (MANE Select); coding-DNA position 8774, C replaced by A.
Protein change: p.Pro2925Gln; replaces proline 2925 with glutamine.
Molecular consequence: missense variant.
Genome position (GRCh38, 1-based): chr16:88,436,244, C>A. VCF-style: chr16-88436244-C-A. GRCh37 (hg19) VCF-style: chr16-88502652-C-A.
Other names: NM_001127464.1:c.8690C>A; short protein forms P2925Q.
Identifiers: ClinVar variation 2449526 (VCV002449526.2), dbSNP rs771929127, ClinGen allele CA397119405.

ClinVar aggregate classification (germline): Uncertain significance (1 of 4 stars; one submission).

Conditions:
Cardiovascular phenotype. Identifiers: MedGen CN230736.

gnomAD v4.1: 3 of 1,549,490 alleles (0.00019%); highest among the groups gnomAD compares: Non-Finnish European, 0.00026%; no homozygotes.

Submission:

Ambry Genetics
Classification: Uncertain significance for Cardiovascular phenotype. Last evaluated: 2023-03-03. Review status: criteria provided, single submitter. Criteria: Ambry Variant Classification Scheme 2023. Collection method: clinical testing. Allele origin: germline.
Comment: The p.P2897Q variant (also known as c.8690C>A), located in coding exon 2 of the ZNF469 gene, results from a C to A substitution at nucleotide position 8690. The proline at codon 2897 is replaced by glutamine, an amino acid with similar properties. This amino acid position is conserved. In addition, this alteration is predicted to be tolerated by in silico analysis. Since supporting evidence is limited at this time, the clinical significance of this alteration remains unclear.